The following is an entry in ClinVar:

NM_001378454.1(ALMS1):c.11742C>T (p.Ser3914=)

Gene: ALMS1 (ALMS1 centrosome and basal body associated protein; plus strand). Cytogenetic location: 2p13.1.
Variant type: single nucleotide variant.
Coding change: c.11742C>T on transcript NM_001378454.1 (MANE Select); coding-DNA position 11742, C replaced by T.
Protein change: p.Ser3914=; no amino-acid change (serine 3914 retained).
Molecular consequence: synonymous variant.
Genome position (GRCh38, 1-based): chr2:73,600,751, C>T. VCF-style: chr2-73600751-C-T. GRCh37 (hg19) VCF-style: chr2-73827878-C-T.
Other names: c.11745C>T, p.Ser3915= (NM_015120.4).
Identifiers: ClinVar variation 558621 (VCV000558621.13), dbSNP rs374909171, ClinGen allele CA1715308.

ClinVar aggregate classification (germline): Likely benign. Review status: criteria provided, multiple submitters, no conflicts (2 of 4 stars). 4 submissions from 4 submitters: Likely benign (3). 1 of the submissions does not count toward it. Last evaluated 2025-10-08.

Conditions:
Alstrom syndrome (ALMS). Identifiers: Orphanet 64, MedGen C0268425, MONDO:0008763, OMIM 203800.
Cardiovascular phenotype. Identifiers: MedGen CN230736.

Allele frequency attached by ClinVar (database versions not stated): gnomAD exomes below 0.00001 and 0.00001; ExAC 0.00001; gnomAD 0.00002; TOPMed 0.00002; ESP Exome Variant Server 0.00008.
gnomAD v4.1: 7 of 1,614,038 alleles (0.00043%); highest among the groups gnomAD compares: Non-Finnish European, 0.00059%; no homozygotes.

Submissions (4):

Labcorp Genetics (formerly Invitae), Labcorp
Classification: Likely benign for Alstrom syndrome. Last evaluated: 2025-10-08. Review status: criteria provided, single submitter. Criteria: Invitae Variant Classification Sherloc (09022015). Collection method: clinical testing. Allele origin: germline.

Ambry Genetics
Classification: Likely benign for Cardiovascular phenotype. Last evaluated: 2021-05-30. Review status: criteria provided, single submitter. Criteria: Ambry Variant Classification Scheme 2023. Collection method: clinical testing. Allele origin: germline.

GeneDx
Classification: Likely benign. Last evaluated: 2020-01-20. Review status: criteria provided, single submitter. Criteria: GeneDx Variant Classification Process June 2021. Collection method: clinical testing. Allele origin: germline. Affected: yes.
Comment: See Variant Classification Assertion Criteria.

Counsyl
Classification: Likely benign for Alstrom syndrome. Last evaluated: 2018-06-04. Review status: no assertion criteria provided. Collection method: clinical testing. Allele origin: unknown. Not counted in ClinVar's aggregate classification.